The following is an entry in ClinVar:

NM_031942.5(CDCA7):c.745A>C (p.Arg249=)

Gene: CDCA7 (cell division cycle associated 7; plus strand). Cytogenetic location: 2q31.1.
Variant type: single nucleotide variant.
Coding change: c.745A>C on transcript NM_031942.5 (MANE Select); coding-DNA position 745, A replaced by C.
Protein change: p.Arg249=; no amino-acid change (arginine 249 retained).
Molecular consequence: synonymous variant.
Genome position (GRCh38, 1-based): chr2:173,364,840, A>C. VCF-style: chr2-173364840-A-C. GRCh37 (hg19) VCF-style: chr2-174229568-A-C.
Other names: c.508A>C, p.Arg170= (NM_145810.3).
Identifiers: ClinVar variation 707884 (VCV000707884.15), dbSNP rs146148251, ClinGen allele CA1971326.

ClinVar aggregate classification (germline): Conflicting classifications of pathogenicity. Review status: criteria provided, conflicting classifications (1 of 4 stars). 5 submissions from 5 submitters: Uncertain significance (1); Likely benign (3). 1 of the submissions does not count toward it. Last evaluated 2026-02-01.

Conditions:
CDCA7-related disorder. Also called: CDCA7-related condition.
Immunodeficiency-centromeric instability-facial anomalies syndrome 3 (ICF3). Identifiers: Orphanet 2268, MedGen C4310799, MONDO:0014828, OMIM 616910.

Allele frequency attached by ClinVar (database versions not stated): 1000 Genomes Project 30x 0.00016; 1000 Genomes Project 0.00020; ExAC 0.00039; gnomAD exomes 0.00046 and 0.00117; TOPMed 0.00047; gnomAD 0.00052 and 0.00053; ESP Exome Variant Server 0.00054.
gnomAD v4.1: 1,741 of 1,611,396 alleles (0.11%); highest among the groups gnomAD compares: Non-Finnish European, 0.14%; 2 homozygotes.

Submissions (5):

Labcorp Genetics (formerly Invitae), Labcorp
Classification: Likely benign. Last evaluated: 2026-02-01. Review status: criteria provided, single submitter. Criteria: Invitae Variant Classification Sherloc (09022015). Collection method: clinical testing. Allele origin: germline.

Blueprint Genetics
Classification: Uncertain significance. Last evaluated: 2024-11-22. Review status: criteria provided, single submitter. Criteria: ACMG Guidelines, 2015. Collection method: clinical testing. Allele origin: germline.

ARUP Laboratories, Molecular Genetics and Genomics, ARUP Laboratories
Classification: Likely benign for Immunodeficiency-centromeric instability-facial anomalies syndrome 3. Last evaluated: 2023-11-29. Review status: criteria provided, single submitter. Criteria: ARUP Molecular Germline Variant Investigation Process 2024. Collection method: clinical testing. Allele origin: germline.

Breakthrough Genomics
Classification: Likely benign. Review status: criteria provided, single submitter. Criteria: ACMG Guidelines, 2015. Collection method: not provided. Allele origin: germline. Inheritance: Autosomal recessive inheritance. Affected: yes.

PreventionGenetics, part of Exact Sciences
Classification: Likely benign for CDCA7-related condition. Last evaluated: 2019-03-04. Review status: no assertion criteria provided. Collection method: clinical testing. Allele origin: germline. Not counted in ClinVar's aggregate classification.
Comment: This variant is classified as likely benign based on ACMG/AMP sequence variant interpretation guidelines (Richards et al. 2015 PMID: 25741868, with internal and published modifications).